The following is an entry in ClinVar:

ClinVar aggregate classification (germline): Uncertain significance (1 of 4 stars; one submission).

Conditions:
Hypertrophic cardiomyopathy. Also called: HYPERTROPHIC MYOCARDIOPATHY. Identifiers: Orphanet 217569, MedGen C0007194, MeSH D002312, MONDO:0005045, HP:0001639.

Submission:

Labcorp Genetics (formerly Invitae), Labcorp
Classification: Uncertain significance for Hypertrophic cardiomyopathy. Last evaluated: 2024-10-04. Review status: criteria provided, single submitter. Criteria: Invitae Variant Classification Sherloc (09022015). Collection method: clinical testing. Allele origin: germline.
Comment: This sequence change replaces glutamic acid, which is acidic and polar, with aspartic acid, which is acidic and polar, at codon 1747 of the MYH7 protein (p.Glu1747Asp). This variant is not present in population databases (gnomAD no frequency). This variant has not been reported in the literature in individuals affected with MYH7-related conditions. Invitae Evidence Modeling of protein sequence and biophysical properties (such as structural, functional, and spatial information, amino acid conservation, physicochemical variation, residue mobility, and thermodynamic stability) indicates that this missense variant is expected to disrupt MYH7 protein function with a positive predictive value of 95%. In summary, the available evidence is currently insufficient to determine the role of this variant in disease. Therefore, it has been classified as a Variant of Uncertain Significance.

NM_000257.4(MYH7):c.5241G>T (p.Glu1747Asp)

Genes: MYH7 (myosin heavy chain 7; minus strand), LOC126861897 (BRD4-independent group 4 enhancer GRCh37_chr14:23884455-23885654; plus strand). Cytogenetic location: 14q11.2.
Variant type: single nucleotide variant.
Coding change: c.5241G>T on transcript NM_000257.4 (MANE Select); coding-DNA position 5241, G replaced by T.
Protein change: p.Glu1747Asp; replaces glutamic acid 1747 with aspartic acid.
Molecular consequence: missense variant.
Genome position (GRCh38, 1-based): chr14:23,415,423, C>A on the plus strand (G>T on the coding strand, the complement: MYH7 is on the minus strand). VCF-style: chr14-23415423-C-A. GRCh37 (hg19) VCF-style: chr14-23884632-C-A.
Other names: c.5241G>T, p.Glu1747Asp (NM_001407004.1); short protein forms E1747D.
Identifiers: ClinVar variation 3635995 (VCV003635995.2).
Genomic context (GRCh38, chr14:23,415,423, plus strand): 5'-GTGGAGTGGGGGACTTACATCCGTGATGGCCTTCTTGGCCTTCTCCTCAGCATTCCTGCA[C>A]TCCTGCACTGCCTCCTCCACTTCAGTCTGGAGCTGGGACAGGTCAGCATCCATCTTCTTC-3'
Protein context (NP_000248.2, residues 1737-1757): LQTEVEEAVQ[Glu1747Asp]CRNAEEKAKK